The following is an entry in ClinVar:

NM_000618.5(IGF1):c.*6384C>T

Genes: LINC02456 (long intergenic non-protein coding RNA 2456; plus strand), IGF1 (insulin like growth factor 1; minus strand). Cytogenetic location: 12q23.2.
Variant type: single nucleotide variant.
Coding change: c.*6384C>T on transcript NM_000618.5 (MANE Select); 6384 bases downstream of the stop codon, C replaced by T.
Molecular consequence: 3 prime UTR variant.
Genome position (GRCh38, 1-based): chr12:102,396,123, G>A on the plus strand (C>T on the coding strand, the complement: IGF1 is on the minus strand). VCF-style: chr12-102396123-G-A. GRCh37 (hg19) VCF-style: chr12-102789901-G-A.
Other names: c.*6418C>T (NM_001111283.3); c.*6384C>T (NM_001111284.2).
Identifiers: ClinVar variation 306831 (VCV000306831.6), dbSNP rs6222, ClinGen allele CA10640670.

ClinVar aggregate classification (germline): Benign. Review status: criteria provided, multiple submitters, no conflicts (2 of 4 stars). 2 submissions from 2 submitters: Benign (2). Last evaluated 2018-01-13.

Conditions:
Growth delay due to insulin-like growth factor type 1 deficiency (IGF1D). Also called: GROWTH RETARDATION WITH SENSORINEURAL DEAFNESS AND MENTAL RETARDATION; IGF1 DEFICIENCY. Identifiers: Orphanet 73272, MedGen C1837475, MONDO:0012110, OMIM 608747.

Allele frequency attached by ClinVar (database versions not stated): 1000 Genomes Project 0.02017; 1000 Genomes Project 30x 0.02139; TOPMed 0.02445; gnomAD 0.02487 and 0.02613.

Submissions (2):

Illumina Laboratory Services, Illumina
Classification: Benign for Growth delay due to insulin-like growth factor type 1 deficiency. Last evaluated: 2018-01-13. Review status: criteria provided, single submitter. Criteria: ICSL Variant Classification Criteria 13 December 2019. Collection method: clinical testing. Allele origin: germline.
Comment: This variant was observed in the ICSL laboratory as part of a predisposition screen in an ostensibly healthy population. It had not been previously curated by ICSL or reported in the Human Gene Mutation Database (HGMD: prior to June 1st, 2018), and was therefore a candidate for classification through an automated scoring system. Utilizing variant allele frequency, disease prevalence and penetrance estimates, and inheritance mode, an automated score was calculated to assess if this variant is too frequent to cause the disease. Based on the score and internal cut-off values, a variant classified as benign is not then subjected to further curation. The score for this variant resulted in a classification of benign for this disease.

Breakthrough Genomics
Classification: Benign. Review status: criteria provided, single submitter. Criteria: ACMG Guidelines, 2015. Collection method: not provided. Allele origin: germline. Inheritance: Autosomal recessive inheritance. Affected: yes.